The following is an entry in ClinVar:

ClinVar aggregate classification (germline): Conflicting classifications of pathogenicity. Review status: criteria provided, conflicting classifications (1 of 4 stars). 2 submissions from 2 submitters: Likely pathogenic (1); Uncertain significance (1). Last evaluated 2025-09-13.

Submissions (2):

GeneDx
Classification: Likely pathogenic. Last evaluated: 2025-09-13. Review status: criteria provided, single submitter. Criteria: GeneDx Variant Classification Process June 2021. Collection method: clinical testing. Allele origin: germline. Affected: yes.
Comment: Not observed at significant frequency in large population cohorts (gnomAD); In-frame deletion of 1 amino acids in a non-repeat region; In silico analysis supports a deleterious effect on protein structure/function; This variant is associated with the following publications: (PMID: 16321270, 30957632)

Blueprint Genetics
Classification: Uncertain significance. Last evaluated: 2024-09-09. Review status: criteria provided, single submitter. Criteria: ACMG Guidelines, 2015. Collection method: clinical testing. Allele origin: germline.

NM_006005.3(WFS1):c.1247TCT[1] (p.Phe417del)

Gene: WFS1 (wolframin ER transmembrane glycoprotein; plus strand). Cytogenetic location: 4p16.1.
Variant type: Microsatellite.
Coding change: c.1247TCT[1] on transcript NM_006005.3 (MANE Select); one copy of the 3-base unit TCT starting at c.1247; the reference has two copies in a row; one copy, 3 bases deleted; also written c.1250_1252del.
Protein change: p.Phe417del; deletes phenylalanine 417.
Molecular consequence: inframe deletion.
Genome position (GRCh38, 1-based): chr4:6,301,045-6,301,047, TCT deleted; deleting any 3 consecutive bases within chr4:6,301,042-6,301,047 gives the same sequence; the position shown is the placement nearest the transcript's 3' end. VCF-style (leftmost placement, unchanged base first): chr4-6301041-ATCT-A. GRCh37 (hg19) VCF-style: chr4-6302768-ATCT-A.
Other names: c.1247TCT[1], p.Phe417del (NM_001145853.1); c.1250_1252del (NM_006005.3); short protein forms F417del.
Identifiers: ClinVar variation 1878677 (VCV001878677.3), dbSNP rs2474193195, ClinGen allele CA2580616071.